The following is an entry in ClinVar:

NM_032119.4(ADGRV1):c.5173A>G (p.Ser1725Gly)

Gene: ADGRV1 (adhesion G protein-coupled receptor V1; plus strand). Cytogenetic location: 5q14.3.
Variant type: single nucleotide variant.
Coding change: c.5173A>G on transcript NM_032119.4 (MANE Select); coding-DNA position 5173, A replaced by G.
Protein change: p.Ser1725Gly; replaces serine 1725 with glycine.
Molecular consequence: missense variant. On other transcripts: non-coding transcript variant (1).
Genome position (GRCh38, 1-based): chr5:90,675,305, A>G. VCF-style: chr5-90675305-A-G. GRCh37 (hg19) VCF-style: chr5-89971122-A-G.
Other names: short protein forms S1725G.
Identifiers: ClinVar variation 857017 (VCV000857017.6), dbSNP rs368219113, ClinGen allele CA3339509.

ClinVar aggregate classification (germline): Uncertain significance. Review status: criteria provided, multiple submitters, no conflicts (2 of 4 stars). 2 submissions from 2 submitters: Uncertain significance (2). Last evaluated 2022-08-15.

Allele frequency attached by ClinVar (database versions not stated): gnomAD exomes 0.00001; ExAC 0.00001; gnomAD 0.00001; TOPMed 0.00001; ESP Exome Variant Server 0.00008.
gnomAD v4.1: 15 of 1,613,732 alleles (0.00093%); highest among the groups gnomAD compares: Non-Finnish European, 0.001%; no homozygotes.

Submissions (2):

Labcorp Genetics (formerly Invitae), Labcorp
Classification: Uncertain significance. Last evaluated: 2022-08-15. Review status: criteria provided, single submitter. Criteria: Invitae Variant Classification Sherloc (09022015). Collection method: clinical testing. Allele origin: germline.
Comment: This sequence change replaces serine, which is neutral and polar, with glycine, which is neutral and non-polar, at codon 1725 of the ADGRV1 protein (p.Ser1725Gly). This variant is present in population databases (rs368219113, gnomAD 0.002%). This variant has not been reported in the literature in individuals affected with ADGRV1-related conditions. ClinVar contains an entry for this variant (Variation ID: 857017). Algorithms developed to predict the effect of missense changes on protein structure and function are either unavailable or do not agree on the potential impact of this missense change (SIFT: "Tolerated"; PolyPhen-2: "Probably Damaging"; Align-GVGD: "Class C0"). Algorithms developed to predict the effect of sequence changes on RNA splicing suggest that this variant may create or strengthen a splice site. In summary, the available evidence is currently insufficient to determine the role of this variant in disease. Therefore, it has been classified as a Variant of Uncertain Significance.

GeneDx
Classification: Uncertain significance. Last evaluated: 2021-09-24. Review status: criteria provided, single submitter. Criteria: GeneDx Variant Classification Process June 2021. Collection method: clinical testing. Allele origin: germline. Affected: yes.
Comment: Not observed at significant frequency in large population cohorts (Lek et al., 2016); In silico analysis supports that this missense variant does not alter protein structure/function; Has not been previously published as pathogenic or benign to our knowledge